The following is an entry in ClinVar:

ClinVar aggregate classification (germline): Likely pathogenic (1 of 4 stars; one submission).

Submission:

Labcorp Genetics (formerly Invitae), Labcorp
Classification: Likely pathogenic. Last evaluated: 2023-07-29. Review status: criteria provided, single submitter. Criteria: Invitae Variant Classification Sherloc (09022015). Collection method: clinical testing. Allele origin: germline.
Comment: In summary, the currently available evidence indicates that the variant is pathogenic, but additional data are needed to prove that conclusively. Therefore, this variant has been classified as Likely Pathogenic. Algorithms developed to predict the effect of sequence changes on RNA splicing suggest that this variant may disrupt the consensus splice site. This variant has not been reported in the literature in individuals affected with COL11A2-related conditions. This variant is not present in population databases (gnomAD no frequency). This sequence change affects an acceptor splice site in intron 2 of the COL11A2 gene. It is expected to disrupt RNA splicing. Variants that disrupt the donor or acceptor splice site typically lead to a loss of protein function (PMID: 16199547), and loss-of-function variants in COL11A2 are known to be pathogenic (PMID: 10677296, 21204229).

Literature cited by the submitters: PubMed 16199547; PubMed 10677296; PubMed 21204229.

NM_080680.3(COL11A2):c.233-2A>G

Gene: COL11A2 (collagen type XI alpha 2 chain; minus strand). Cytogenetic location: 6p21.32.
Variant type: single nucleotide variant.
Coding change: c.233-2A>G on transcript NM_080680.3 (MANE Select); the canonical splice acceptor site of the intron before coding-DNA position 233, A replaced by G.
Molecular consequence: splice acceptor variant.
Genome position (GRCh38, 1-based): chr6:33,189,190, T>C on the plus strand (A>G on the coding strand, the complement: COL11A2 is on the minus strand). VCF-style: chr6-33189190-T-C. GRCh37 (hg19) VCF-style: chr6-33156967-T-C.
Other names: c.-614-2A>G (NM_001424111.1, NM_001424110.1, NM_001424109.1); c.233-2A>G (NM_080679.3, NM_080681.3, NM_001424108.1 and 1 more transcripts).
Identifiers: ClinVar variation 2748281 (VCV002748281.3), dbSNP rs2535554557, ClinGen allele CA363612942.